The following is an entry in ClinVar:

NM_003837.4(FBP2):c.836T>C (p.Leu279Pro)

Genes: FBP2 (fructose-bisphosphatase 2; minus strand), PCAT7 (prostate cancer associated transcript 7; plus strand). Cytogenetic location: 9q22.32.
Variant type: single nucleotide variant.
Coding change: c.836T>C on transcript NM_003837.4 (MANE Select); coding-DNA position 836, T replaced by C.
Protein change: p.Leu279Pro; replaces leucine 279 with proline.
Molecular consequence: missense variant. On other transcripts: non-coding transcript variant (12).
Genome position (GRCh38, 1-based): chr9:94,559,122, A>G on the plus strand (T>C on the coding strand, the complement: FBP2 is on the minus strand). VCF-style: chr9-94559122-A-G. GRCh37 (hg19) VCF-style: chr9-97321404-A-G.
Other names: short protein forms L279P.
Identifiers: ClinVar variation 3257644 (VCV003257644.17).

ClinVar aggregate classification (germline): Benign (1 of 4 stars; one submission).

gnomAD v4.1: 14,416 of 1,611,416 alleles (0.89%); highest among the groups gnomAD compares: Non-Finnish European, 1.2%; 83 homozygotes.

Submission:

CeGaT Center for Human Genetics Tuebingen
Classification: Benign. Last evaluated: 2026-03-01. Review status: criteria provided, single submitter. Criteria: CeGaT Center For Human Genetics Tuebingen Variant Classification Criteria Version 2. Collection method: clinical testing. Allele origin: germline. Affected: yes. Observed: 2 variant alleles.
Comment: FBP2: BS1, BS2; PCAT7: BS1, BS2